The following is an entry in ClinVar:

NM_001378418.1(TCF20):c.5143C>T (p.Arg1715Trp)

Gene: TCF20 (transcription factor 20; minus strand). Cytogenetic location: 22q13.2.
Variant type: single nucleotide variant.
Coding change: c.5143C>T on transcript NM_001378418.1 (MANE Select); coding-DNA position 5143, C replaced by T.
Protein change: p.Arg1715Trp; replaces arginine 1715 with tryptophan.
Molecular consequence: missense variant.
Genome position (GRCh38, 1-based): chr22:42,210,163, G>A on the plus strand (C>T on the coding strand, the complement: TCF20 is on the minus strand). VCF-style: chr22-42210163-G-A. GRCh37 (hg19) VCF-style: chr22-42606169-G-A.
Other names: c.5143C>T, p.Arg1715Trp (NM_005650.4, NM_181492.3); short protein forms R1715W.
Identifiers: ClinVar variation 1803711 (VCV001803711.3), dbSNP rs370476466, ClinGen allele CA10266531.

ClinVar aggregate classification (germline): Uncertain significance (1 of 4 stars; one submission).

Conditions:
TCF20-related neurodevelopmental disorder.

Submission:

Illumina Laboratory Services, Illumina
Classification: Uncertain significance for TCF20-related neurodevelopmental disorder. Last evaluated: 2022-06-22. Review status: criteria provided, single submitter. Criteria: ICSLVariantClassificationCriteria RUGD 01 April 2020. Collection method: clinical testing. Allele origin: unknown.
Comment: The TCF20 c.5143C>T (p.Arg1715Trp) missense variant results in the substitution of arginine at amino acid position 1715 with tryptophan. To our knowledge, this variant has not been reported in the peer-reviewed literature. This variant is reported in the Genome Aggregation Database in one allele at a frequency of 0.000046 in the Finnish population (version 2.1.1). The c.5143C>T variant lies within the PHD domain, which is reported to be involved in nucleosome binding and plays an important role in chromatin dynamics and transcriptional control (Torti et al. 2019; Vetrini et al. 2019). Based on the available evidence, the c.5143C>T (p.Arg1715Trp) variant is classified as a variant of uncertain significance for TCF20-related neurodevelopmental disorder.

Literature cited by the submitters: PubMed 30739909; PubMed 30819258.